The following is an entry in ClinVar:

NM_004360.5(CDH1):c.2439+10C>A

Gene: CDH1 (cadherin 1; plus strand). Cytogenetic location: 16q22.1.
Variant type: single nucleotide variant.
Coding change: c.2439+10C>A on transcript NM_004360.5 (MANE Select); 10 bases into the intron after coding-DNA position 2439, C replaced by A.
Molecular consequence: intron variant.
Genome position (GRCh38, 1-based): chr16:68,829,807, C>A. VCF-style: chr16-68829807-C-A. GRCh37 (hg19) VCF-style: chr16-68863710-C-A.
Other names: c.891+10C>A (NM_001317185.2); c.474+10C>A (NM_001317186.2); c.2256+10C>A (NM_001317184.2).
Identifiers: ClinVar variation 2503004 (VCV002503004.1), dbSNP rs35236080, ClinGen allele CA2580612828.
Genomic context (GRCh38, chr16:68,829,807, plus strand): 5'-TATCTTCCCCGCCCTGCCAATCCCGATGAAATTGGAAATTTTATTGATGAAGTAAGTAAT[C>A]CACGTGGAAAGCCAAAGCATGGCTCATCTCTAAGCTCAGGAGGAGTTGTGTCAAAAATGA-3'

ClinVar aggregate classification (germline): Uncertain significance (1 of 4 stars; one submission).

Conditions:
Hereditary diffuse gastric adenocarcinoma (HDGC). Also called: DIFFUSE GASTRIC AND LOBULAR BREAST CANCER SYNDROME. Identifiers: Orphanet 26106, MedGen C1708349, MONDO:0007648, OMIM 137215.

Submission:

European Reference Network on Genetic Tumour Risk Syndromes (ERN-GENTURIS), i3s - Instituto de Investigação e Inovação em Saúde, University of Porto
Classification: Uncertain significance for Hereditary diffuse gastric adenocarcinoma. Last evaluated: 2022-08-01. Review status: criteria provided, single submitter. Criteria: Lee et al. (Hum Mutat. 2018). Collection method: clinical testing. Allele origin: germline. Inheritance: Autosomal dominant inheritance. Affected: no. Study: ERN GENTURIS.
Comment: PM2 (PMID: 30311375)

Literature cited by the submitters: PubMed 36436516.